The following is an entry in ClinVar:

ClinVar aggregate classification (germline): Likely benign (1 of 4 stars; one submission).

Allele frequency attached by ClinVar (database versions not stated): gnomAD 0.00524; 1000 Genomes Project 0.00559; 1000 Genomes Project 30x 0.00562; TOPMed 0.00607.
gnomAD v4.1: 789 of 152,092 alleles (0.52%); highest among the groups gnomAD compares: African/African-American, 1.8%; 10 homozygotes.

Submission:

GeneDx
Classification: Likely benign. Last evaluated: 2021-02-18. Review status: criteria provided, single submitter. Criteria: GeneDx Variant Classification Process June 2021. Collection method: clinical testing. Allele origin: germline. Affected: yes.
Comment: See Variant Classification Assertion Criteria.

NM_016343.4(CENPF):c.1324-190C>T

Gene: CENPF (centromere protein F; plus strand). Cytogenetic location: 1q41.
Variant type: single nucleotide variant.
Coding change: c.1324-190C>T on transcript NM_016343.4 (MANE Select); 190 bases into the intron before coding-DNA position 1324, C replaced by T.
Molecular consequence: intron variant.
Genome position (GRCh38, 1-based): chr1:214,632,290, C>T. VCF-style: chr1-214632290-C-T. GRCh37 (hg19) VCF-style: chr1-214805633-C-T.
Identifiers: ClinVar variation 1707383 (VCV001707383.2), dbSNP rs116149503, ClinGen allele CA37356857.
Genomic context (GRCh38, chr1:214,632,290, plus strand): 5'-AATCTTTTTCCTGTGTGGTCTCCTTGCCACACCCAGCCTCTTTCATCTCCTATATGCAGC[C>T]GCTGAGTGACGTCGCAAGGTCACATTATGGTATTTTAAGACATATTTAGCTGTGACGTAT-3'